The following is an entry in ClinVar:

NC_000008.10:g.(?_133141509)_(133175761_?)del

Gene: KCNQ3 (potassium voltage-gated channel subfamily Q member 3; minus strand). Cytogenetic location: 8q24.22.
Variant type: Deletion.
Identifiers: ClinVar variation 2425136 (VCV002425136.4).

ClinVar aggregate classification (germline): Uncertain significance (1 of 4 stars; one submission).

Conditions:
Benign neonatal seizures. Also called: Benign neonatal familial convulsions; Benign familial neonatal seizures; Convulsions benign familial neonatal dominant form; Autosomal dominant form of benign neonatal seizures; Benign familial neonatal epilepsy. Identifiers: Orphanet 1949, MedGen C0220669, MONDO:0016027.

Submission:

Labcorp Genetics (formerly Invitae), Labcorp
Classification: Uncertain significance for Benign neonatal seizures. Last evaluated: 2022-05-25. Review status: criteria provided, single submitter. Criteria: Invitae Variant Classification Sherloc (09022015). Collection method: clinical testing. Allele origin: germline.
Comment: This variant disrupts a region of the KCNQ3 protein in which other variant(s) (p.Asp542Asn) have been observed in individuals with KCNQ3-related conditions (PMID: 29383681). This suggests that this is a clinically significant region of the protein, and that variants that disrupt it are likely to be disease-causing. In summary, the available evidence is currently insufficient to determine the role of this variant in disease. Therefore, it has been classified as a Variant of Uncertain Significance. This variant has not been reported in the literature in individuals affected with KCNQ3-related conditions. This variant is a gross deletion of the genomic region encompassing exon(s) 9-15 of the KCNQ3 gene, which includes the termination codon. This deletion extends beyond the assayed region for this gene and therefore may encompass additional genes. While this deletion is not anticipated to lead to nonsense mediated decay, it is expected to alter mRNA translation or result in a truncated protein product.

Literature cited by the submitters: PubMed 29383681.